The following is an entry in ClinVar:

NM_002242.4(KCNJ13):c.860C>G (p.Ser287Cys)

Genes: GIGYF2 (GRB10 interacting GYF protein 2; plus strand), KCNJ13 (potassium inwardly rectifying channel subfamily J member 13; minus strand). Cytogenetic location: 2q37.1.
Variant type: single nucleotide variant.
Coding change: c.860C>G on transcript NM_002242.4 (MANE Select); coding-DNA position 860, C replaced by G.
Protein change: p.Ser287Cys; replaces serine 287 with cysteine.
Molecular consequence: missense variant. On other transcripts: 3 prime UTR variant (1), intron variant (4).
Genome position (GRCh38, 1-based): chr2:232,768,414, G>C on the plus strand (C>G on the coding strand, the complement: KCNJ13 is on the minus strand). VCF-style: chr2-232768414-G-C. GRCh37 (hg19) VCF-style: chr2-233633124-G-C.
Other names: c.*339C>G (NM_001172416.1); c.620C>G, p.Ser207Cys (NM_001172417.1); c.532+6978G>C (NM_001103146.3, NM_015575.4, NM_001103147.2 and 1 more transcripts); short protein forms S287C, S207C.
Identifiers: ClinVar variation 2111478 (VCV002111478.6), dbSNP rs2469802056, ClinGen allele CA351008428.

ClinVar aggregate classification (germline): Uncertain significance. Review status: criteria provided, multiple submitters, no conflicts (2 of 4 stars). 2 submissions from 2 submitters: Uncertain significance (2). Last evaluated 2023-05-08.

Submissions (2):

Ambry Genetics
Classification: Uncertain significance. Last evaluated: 2023-05-08. Review status: criteria provided, single submitter. Criteria: Ambry Variant Classification Scheme 2023. Collection method: clinical testing. Allele origin: germline.

Labcorp Genetics (formerly Invitae), Labcorp
Classification: Uncertain significance. Last evaluated: 2022-03-13. Review status: criteria provided, single submitter. Criteria: Invitae Variant Classification Sherloc (09022015). Collection method: clinical testing. Allele origin: germline.
Comment: In summary, the available evidence is currently insufficient to determine the role of this variant in disease. Therefore, it has been classified as a Variant of Uncertain Significance. Algorithms developed to predict the effect of missense changes on protein structure and function are either unavailable or do not agree on the potential impact of this missense change (SIFT: "Deleterious"; PolyPhen-2: "Probably Damaging"; Align-GVGD: "Class C0"). This variant has not been reported in the literature in individuals affected with KCNJ13-related conditions. This variant is not present in population databases (gnomAD no frequency). This sequence change replaces serine, which is neutral and polar, with cysteine, which is neutral and slightly polar, at codon 287 of the KCNJ13 protein (p.Ser287Cys).